The following is an entry in ClinVar:

NM_003718.5(CDK13):c.3878_3883delinsGTGAGG (p.Asp1293_His1295delinsGlyGluAsp)

Gene: CDK13 (cyclin dependent kinase 13; plus strand). Cytogenetic location: 7p14.1.
Variant type: Indel.
Coding change: c.3878_3883delinsGTGAGG on transcript NM_003718.5 (MANE Select); coding-DNA positions 3878 to 3883, ACCCTC replaced by GTGAGG.
Protein change: p.Asp1293_His1295delinsGlyGluAsp.
Molecular consequence: missense variant.
Genome position (GRCh38, 1-based): chr7:40,094,319-40,094,324, ACCCTC replaced by GTGAGG. VCF-style: chr7-40094319-ACCCTC-GTGAGG. GRCh37 (hg19) VCF-style: chr7-40133918-ACCCTC-GTGAGG.
Other names: c.3698_3703delACCCTCinsGTGAGG, p.Asp1233_His1235delinsGlyGluAsp (NM_031267.4).
Identifiers: ClinVar variation 3663992 (VCV003663992.2).

ClinVar aggregate classification (germline): Uncertain significance (1 of 4 stars; one submission).

Submission:

Labcorp Genetics (formerly Invitae), Labcorp
Classification: Uncertain significance. Last evaluated: 2024-10-28. Review status: criteria provided, single submitter. Criteria: Invitae Variant Classification Sherloc (09022015). Collection method: clinical testing. Allele origin: germline.
Comment: This variant, c.3878_3883delinsGTGAGG, is a complex sequence change that results in the deletion of 3 and insertion of 3 amino acid(s) in the CDK13 protein (p.Asp1293_His1295delinsGlyGluAsp). Information on the frequency of this variant in the gnomAD database is not available, as this variant may be reported differently in the database. This variant has not been reported in the literature in individuals affected with CDK13-related conditions. Experimental studies and prediction algorithms are not available or were not evaluated, and the functional significance of this variant is currently unknown. In summary, the available evidence is currently insufficient to determine the role of this variant in disease. Therefore, it has been classified as a Variant of Uncertain Significance.